The following is an entry in ClinVar:

NM_003466.4(PAX8):c.1277-10A>G

Gene: PAX8 (paired box 8; minus strand). Cytogenetic location: 2q14.1.
Variant type: single nucleotide variant.
Coding change: c.1277-10A>G on transcript NM_003466.4 (MANE Select); 10 bases into the intron before coding-DNA position 1277, A replaced by G.
Molecular consequence: intron variant.
Genome position (GRCh38, 1-based): chr2:113,218,619, T>C on the plus strand (A>G on the coding strand, the complement: PAX8 is on the minus strand). VCF-style: chr2-113218619-T-C. GRCh37 (hg19) VCF-style: chr2-113976196-T-C.
Other names: c.*1-10A>G (NM_013992.4, NM_013953.4, NM_013952.4).
Identifiers: ClinVar variation 1029704 (VCV001029704.1), dbSNP rs893315047, ClinGen allele CA53712040.
Genomic context (GRCh38, chr2:113,218,619, plus strand): 5'-TGGTGGGCGGTGCACTCGGCCTTGATGTGGAACTGTAATAATATGGGGAACCTGGACACA[T>C]TAAAAAAAAATAACAACAACACTGCTGGTCAGAAAGGAAAATTGCACCATAGCCTTCCCT-3'

ClinVar aggregate classification (germline): Uncertain significance (1 of 4 stars; one submission).

Conditions:
Hypothyroidism, congenital, nongoitrous, 2 (CHNG2). Also called: Hypothyroidism, congenital, due to thyroid dysgenesis or hypoplasia. Identifiers: Orphanet 95712, MedGen C1869118, MONDO:0024264, OMIM 218700.

Allele frequency attached by ClinVar (database versions not stated): gnomAD exomes 0.00001 and 0.00002; TOPMed 0.00002.
gnomAD v4.1: 19 of 1,540,652 alleles (0.0012%); highest among the groups gnomAD compares: East Asian, 0.0024%; no homozygotes.

Submission:

Baylor Genetics
Classification: Uncertain significance for Hypothyroidism, congenital, nongoitrous, 2. Last evaluated: 2020-05-18. Review status: criteria provided, single submitter. Criteria: ACMG Guidelines, 2015. Collection method: clinical testing. Allele origin: unknown. Affected: yes.
Comment: This variant was determined to be of uncertain significance according to ACMG Guidelines, 2015 [PMID:25741868].